The following is an entry in ClinVar:

ClinVar aggregate classification (germline): Uncertain significance. Review status: criteria provided, multiple submitters, no conflicts (2 of 4 stars). 2 submissions from 2 submitters: Uncertain significance (2). Last evaluated 2026-01-19.

Conditions:
Neuroblastoma, susceptibility to, 3. Also called: ALK-Related Neuroblastic Tumor Susceptibility. Identifiers: Orphanet 635, MedGen C2751681, MONDO:0013083, OMIM 613014.
Hereditary cancer-predisposing syndrome. Also called: Hereditary neoplastic syndrome; Neoplastic Syndromes, Hereditary; Tumor predisposition; Hereditary Cancer Syndrome. Identifiers: Orphanet 140162, MedGen C0027672, MeSH D009386, MONDO:0015356.

Allele frequency attached by ClinVar (database versions not stated): gnomAD exomes below 0.00001 and 0.00001.
gnomAD v4.1: 11 of 1,614,210 alleles (0.00068%); highest among the groups gnomAD compares: Non-Finnish European, 0.00076%; no homozygotes.

Submissions (2):

Labcorp Genetics (formerly Invitae), Labcorp
Classification: Uncertain significance for Neuroblastoma, susceptibility to, 3. Last evaluated: 2026-01-19. Review status: criteria provided, single submitter. Criteria: Invitae Variant Classification Sherloc (09022015). Collection method: clinical testing. Allele origin: germline.
Comment: This sequence change replaces serine, which is neutral and polar, with threonine, which is neutral and polar, at codon 1495 of the ALK protein (p.Ser1495Thr). This variant is present in population databases (no rsID available, gnomAD 0.0009%). This variant has not been reported in the literature in individuals affected with ALK-related conditions. ClinVar contains an entry for this variant (Variation ID: 1002872). An algorithm developed to predict the effect of missense changes on protein structure and function (PolyPhen-2) suggests that this variant is likely to be disruptive. In summary, the available evidence is currently insufficient to determine the role of this variant in disease. Therefore, it has been classified as a Variant of Uncertain Significance.

Ambry Genetics
Classification: Uncertain significance for Hereditary cancer-predisposing syndrome. Last evaluated: 2024-12-13. Review status: criteria provided, single submitter. Criteria: Ambry Variant Classification Scheme 2023. Collection method: clinical testing. Allele origin: germline.
Comment: The p.S1495T variant (also known as c.4483T>A), located in coding exon 29 of the ALK gene, results from a T to A substitution at nucleotide position 4483. The serine at codon 1495 is replaced by threonine, an amino acid with similar properties. This amino acid position is highly conserved in available vertebrate species. In addition, the in silico prediction for this alteration is inconclusive. Based on the available evidence, the clinical significance of this variant remains unclear.

NM_004304.5(ALK):c.4483T>A (p.Ser1495Thr)

Gene: ALK (ALK receptor tyrosine kinase; minus strand). Cytogenetic location: 2p23.2.
Variant type: single nucleotide variant.
Coding change: c.4483T>A on transcript NM_004304.5 (MANE Select); coding-DNA position 4483, T replaced by A.
Protein change: p.Ser1495Thr; replaces serine 1495 with threonine.
Molecular consequence: missense variant.
Genome position (GRCh38, 1-based): chr2:29,193,604, A>T on the plus strand (T>A on the coding strand, the complement: ALK is on the minus strand). VCF-style: chr2-29193604-A-T. GRCh37 (hg19) VCF-style: chr2-29416470-A-T.
Other names: c.4483T>A (NM_004304.4); c.1279T>A, p.Ser427Thr (NM_001353765.2); short protein forms S1495T, S427T.
Identifiers: ClinVar variation 1002872 (VCV001002872.9), dbSNP rs1441987948, ClinGen allele CA346461937.